The following is an entry in ClinVar:

NM_014639.4(SKIC3):c.2584G>C (p.Val862Leu)

Gene: SKIC3 (SKI3 subunit of superkiller complex; minus strand). Cytogenetic location: 5q15.
Variant type: single nucleotide variant.
Coding change: c.2584G>C on transcript NM_014639.4 (MANE Select); coding-DNA position 2584, G replaced by C.
Protein change: p.Val862Leu; replaces valine 862 with leucine.
Molecular consequence: missense variant.
Genome position (GRCh38, 1-based): chr5:95,516,403, C>G on the plus strand (G>C on the coding strand, the complement: SKIC3 is on the minus strand). VCF-style: chr5-95516403-C-G. GRCh37 (hg19) VCF-style: chr5-94852107-C-G.
Other names: short protein forms V862L.
Identifiers: ClinVar variation 1997286 (VCV001997286.1), dbSNP rs111909889, ClinGen allele CA3347026.

ClinVar aggregate classification (germline): Uncertain significance (1 of 4 stars; one submission).

Allele frequency attached by ClinVar (database versions not stated): TOPMed below 0.00001; ExAC 0.00002.
gnomAD v4.1: 4 of 1,613,094 alleles (0.00025%); highest among the groups gnomAD compares: Non-Finnish European, 0.00034%; no homozygotes.

Submission:

Labcorp Genetics (formerly Invitae), Labcorp
Classification: Uncertain significance. Last evaluated: 2022-03-01. Review status: criteria provided, single submitter. Criteria: Invitae Variant Classification Sherloc (09022015). Collection method: clinical testing. Allele origin: germline.
Comment: This sequence change replaces valine, which is neutral and non-polar, with leucine, which is neutral and non-polar, at codon 862 of the TTC37 protein (p.Val862Leu). This variant is present in population databases (rs111909889, gnomAD 0.002%). This variant has not been reported in the literature in individuals affected with TTC37-related conditions. Algorithms developed to predict the effect of missense changes on protein structure and function (SIFT, PolyPhen-2, Align-GVGD) all suggest that this variant is likely to be tolerated. In summary, the available evidence is currently insufficient to determine the role of this variant in disease. Therefore, it has been classified as a Variant of Uncertain Significance.